The following is an entry in ClinVar:

ClinVar aggregate classification (germline): Uncertain significance (1 of 4 stars; one submission).

Allele frequency attached by ClinVar (database versions not stated): TOPMed below 0.00001; gnomAD 0.00001; ExAC 0.00002.
gnomAD v4.1: 16 of 1,613,896 alleles (0.00099%); highest among the groups gnomAD compares: South Asian, 0.0044%; no homozygotes.

Submission:

Labcorp Genetics (formerly Invitae), Labcorp
Classification: Uncertain significance. Last evaluated: 2023-11-08. Review status: criteria provided, single submitter. Criteria: Invitae Variant Classification Sherloc (09022015). Collection method: clinical testing. Allele origin: germline.
Comment: This sequence change replaces arginine, which is basic and polar, with glutamine, which is neutral and polar, at codon 98 of the POGLUT1 protein (p.Arg98Gln). This variant is present in population databases (rs756493199, gnomAD 0.003%). This variant has not been reported in the literature in individuals affected with POGLUT1-related conditions. ClinVar contains an entry for this variant (Variation ID: 1904363). Advanced modeling of protein sequence and biophysical properties (such as structural, functional, and spatial information, amino acid conservation, physicochemical variation, residue mobility, and thermodynamic stability) performed at Invitae indicates that this missense variant is expected to disrupt POGLUT1 protein function with a positive predictive value of 80%. This variant disrupts the p.Arg98 amino acid residue in POGLUT1. Other variant(s) that disrupt this residue have been determined to be pathogenic (PMID: 31897643). This suggests that this residue is clinically significant, and that variants that disrupt this residue are likely to be disease-causing. In summary, the available evidence is currently insufficient to determine the role of this variant in disease. Therefore, it has been classified as a Variant of Uncertain Significance.

Literature cited by the submitters: PubMed 31897643.

NM_152305.3(POGLUT1):c.293G>A (p.Arg98Gln)

Gene: POGLUT1 (protein O-glucosyltransferase 1; plus strand). Cytogenetic location: 3q13.33.
Variant type: single nucleotide variant.
Coding change: c.293G>A on transcript NM_152305.3 (MANE Select); coding-DNA position 293, G replaced by A.
Protein change: p.Arg98Gln; replaces arginine 98 with glutamine.
Molecular consequence: missense variant. On other transcripts: non-coding transcript variant (1).
Genome position (GRCh38, 1-based): chr3:119,471,425, G>A. VCF-style: chr3-119471425-G-A. GRCh37 (hg19) VCF-style: chr3-119190272-G-A.
Other names: c.293G>A, p.Arg98Gln (NM_020231.3); short protein forms R98Q.
Identifiers: ClinVar variation 1904363 (VCV001904363.5), dbSNP rs756493199, ClinGen allele CA2554796.
Genomic context (GRCh38, chr3:119,471,425, plus strand): 5'-CAGAGGTAGTCAGACGGAAGCTAGGGACCCACTATCAGATCACTAAGAACAGACTGTACC[G>A]GGAAAATGACTGCATGTTCCCCTCAAGGTAAGAGTTAACGAGGTAGATATATCTTCTGAC-3'
Protein context (NP_689518.1, residues 88-108): HYQITKNRLY[Arg98Gln]ENDCMFPSRC